The following is an entry in ClinVar:

NM_004629.2(FANCG):c.584T>A (p.Leu195Ter)

Gene: FANCG (FA complementation group G; minus strand). Cytogenetic location: 9p13.3.
Variant type: single nucleotide variant.
Coding change: c.584T>A on transcript NM_004629.2 (MANE Select); coding-DNA position 584, T replaced by A.
Protein change: p.Leu195Ter; replaces leucine 195 with a stop codon.
Molecular consequence: nonsense.
Genome position (GRCh38, 1-based): chr9:35,077,326, A>T on the plus strand (T>A on the coding strand, the complement: FANCG is on the minus strand). VCF-style: chr9-35077326-A-T. GRCh37 (hg19) VCF-style: chr9-35077323-A-T.
Other names: short protein forms L195*.
Identifiers: ClinVar variation 3684227 (VCV003684227.2).

ClinVar aggregate classification (germline): Pathogenic (1 of 4 stars; one submission).

Conditions:
Fanconi anemia (FA). Also called: Fanconi's anemia. Identifiers: Orphanet 84, MedGen C0015625, MeSH D005199, MONDO:0019391.

Submission:

Labcorp Genetics (formerly Invitae), Labcorp
Classification: Pathogenic for Fanconi anemia. Last evaluated: 2024-08-10. Review status: criteria provided, single submitter. Criteria: Invitae Variant Classification Sherloc (09022015). Collection method: clinical testing. Allele origin: germline.
Comment: This sequence change creates a premature translational stop signal (p.Leu195*) in the FANCG gene. It is expected to result in an absent or disrupted protein product. Loss-of-function variants in FANCG are known to be pathogenic (PMID: 12552564). This variant is not present in population databases (gnomAD no frequency). This variant has not been reported in the literature in individuals affected with FANCG-related conditions. Algorithms developed to predict the effect of sequence changes on RNA splicing suggest that this variant may disrupt the consensus splice site. For these reasons, this variant has been classified as Pathogenic.

Literature cited by the submitters: PubMed 12552564.